The following is an entry in ClinVar:

NM_020831.6(MRTFA):c.682C>T (p.Pro228Ser)

Gene: MRTFA (myocardin related transcription factor A; minus strand). Cytogenetic location: 22q13.1.
Variant type: single nucleotide variant.
Coding change: c.682C>T on transcript NM_020831.6 (MANE Select); coding-DNA position 682, C replaced by T.
Protein change: p.Pro228Ser; replaces proline 228 with serine.
Molecular consequence: missense variant.
Genome position (GRCh38, 1-based): chr22:40,424,301, G>A on the plus strand (C>T on the coding strand, the complement: MRTFA is on the minus strand). VCF-style: chr22-40424301-G-A. GRCh37 (hg19) VCF-style: chr22-40820305-G-A.
Other names: c.382C>T (NM_020831.3); c.382C>T, p.Pro128Ser (NM_001282660.2); c.682C>T, p.Pro228Ser (NM_001282661.3, NM_001282662.3); c.487C>T, p.Pro163Ser (NM_001318139.2); short protein forms P163S, P128S, P228S.
Identifiers: ClinVar variation 1908657 (VCV001908657.6), dbSNP rs1320763682, ClinGen allele CA411666087.

ClinVar aggregate classification (germline): Uncertain significance. Review status: criteria provided, multiple submitters, no conflicts (2 of 4 stars). 2 submissions from 2 submitters: Uncertain significance (2). Last evaluated 2025-01-27.

Allele frequency attached by ClinVar (database versions not stated): gnomAD 0.00001; gnomAD exomes 0.00001; TOPMed 0.00001.
gnomAD v4.1: 9 of 1,612,554 alleles (0.00056%); highest among the groups gnomAD compares: Admixed American, 0.005%; no homozygotes.

Submissions (2):

Labcorp Genetics (formerly Invitae), Labcorp
Classification: Uncertain significance. Last evaluated: 2025-01-27. Review status: criteria provided, single submitter. Criteria: Invitae Variant Classification Sherloc (09022015). Collection method: clinical testing. Allele origin: germline.
Comment: This sequence change replaces proline, which is neutral and non-polar, with serine, which is neutral and polar, at codon 128 of the MKL1 protein (p.Pro128Ser). This variant is not present in population databases (gnomAD no frequency). This variant has not been reported in the literature in individuals affected with MKL1-related conditions. ClinVar contains an entry for this variant (Variation ID: 1908657). An algorithm developed to predict the effect of missense changes on protein structure and function (PolyPhen-2) suggests that this variant is likely to be disruptive. In summary, the available evidence is currently insufficient to determine the role of this variant in disease. Therefore, it has been classified as a Variant of Uncertain Significance.

Ambry Genetics
Classification: Uncertain significance. Last evaluated: 2024-09-24. Review status: criteria provided, single submitter. Criteria: Ambry Variant Classification Scheme 2023. Collection method: clinical testing. Allele origin: germline.